The following is an entry in ClinVar:

ClinVar aggregate classification (germline): Uncertain significance. Review status: criteria provided, multiple submitters, no conflicts (2 of 4 stars). 2 submissions from 2 submitters: Uncertain significance (2). Last evaluated 2026-01-22.

Allele frequency attached by ClinVar (database versions not stated): ExAC 0.00005; ESP Exome Variant Server 0.00008; gnomAD 0.00011 and 0.00012; TOPMed 0.00011.
gnomAD v4.1: 30 of 1,612,306 alleles (0.0019%); highest among the groups gnomAD compares: African/African-American, 0.035%; no homozygotes.

Submissions (2):

Labcorp Genetics (formerly Invitae), Labcorp
Classification: Uncertain significance. Last evaluated: 2026-01-22. Review status: criteria provided, single submitter. Criteria: Invitae Variant Classification Sherloc (09022015). Collection method: clinical testing. Allele origin: germline.
Comment: This sequence change replaces arginine, which is basic and polar, with histidine, which is basic and polar, at codon 365 of the CARMIL2 protein (p.Arg365His). This variant is present in population databases (rs374694805, gnomAD 0.03%). This variant has not been reported in the literature in individuals affected with CARMIL2-related conditions. ClinVar contains an entry for this variant (Variation ID: 1488105). Invitae Evidence Modeling of protein sequence and biophysical properties (such as structural, functional, and spatial information, amino acid conservation, physicochemical variation, residue mobility, and thermodynamic stability) indicates that this missense variant is not expected to disrupt CARMIL2 protein function with a negative predictive value of 80%. In summary, the available evidence is currently insufficient to determine the role of this variant in disease. Therefore, it has been classified as a Variant of Uncertain Significance.

Blueprint Genetics
Classification: Uncertain significance. Last evaluated: 2020-12-23. Review status: criteria provided, single submitter. Criteria: ACMG Guidelines, 2015. Collection method: clinical testing. Allele origin: germline.

NM_001013838.3(CARMIL2):c.1094G>A (p.Arg365His)

Gene: CARMIL2 (capping protein regulator and myosin 1 linker 2; plus strand). Cytogenetic location: 16q22.1.
Variant type: single nucleotide variant.
Coding change: c.1094G>A on transcript NM_001013838.3 (MANE Select); coding-DNA position 1094, G replaced by A.
Protein change: p.Arg365His; replaces arginine 365 with histidine.
Molecular consequence: missense variant.
Genome position (GRCh38, 1-based): chr16:67,648,074, G>A. VCF-style: chr16-67648074-G-A. GRCh37 (hg19) VCF-style: chr16-67681977-G-A.
Other names: c.1094G>A, p.Arg365His (NM_001317026.3); short protein forms R365H.
Identifiers: ClinVar variation 1488105 (VCV001488105.8), dbSNP rs374694805, ClinGen allele CA8113343.